The following is an entry in ClinVar:

ClinVar aggregate classification (germline): Uncertain significance (1 of 4 stars; one submission).

Allele frequency attached by ClinVar (database versions not stated): gnomAD exomes below 0.00001; ExAC 0.00001; gnomAD 0.00001; TOPMed 0.00001.
gnomAD v4.1: 2 of 1,612,682 alleles (0.00012%); highest among the groups gnomAD compares: South Asian, 0.0011%; no homozygotes.

Submission:

Labcorp Genetics (formerly Invitae), Labcorp
Classification: Uncertain significance. Last evaluated: 2022-07-06. Review status: criteria provided, single submitter. Criteria: Invitae Variant Classification Sherloc (09022015). Collection method: clinical testing. Allele origin: germline.
Comment: In summary, the available evidence is currently insufficient to determine the role of this variant in disease. Therefore, it has been classified as a Variant of Uncertain Significance. Algorithms developed to predict the effect of sequence changes on RNA splicing suggest that this variant may create or strengthen a splice site. Advanced modeling of protein sequence and biophysical properties (such as structural, functional, and spatial information, amino acid conservation, physicochemical variation, residue mobility, and thermodynamic stability) performed at Invitae indicates that this missense variant is expected to disrupt ACO2 protein function. ClinVar contains an entry for this variant (Variation ID: 1037848). This variant has not been reported in the literature in individuals affected with ACO2-related conditions. This variant is present in population databases (rs764903061, gnomAD 0.003%). This sequence change replaces tyrosine, which is neutral and polar, with cysteine, which is neutral and slightly polar, at codon 181 of the ACO2 protein (p.Tyr181Cys).

NM_001098.3(ACO2):c.542A>G (p.Tyr181Cys)

Gene: ACO2 (aconitase 2; plus strand). Cytogenetic location: 22q13.2.
Variant type: single nucleotide variant.
Coding change: c.542A>G on transcript NM_001098.3 (MANE Select); coding-DNA position 542, A replaced by G.
Protein change: p.Tyr181Cys; replaces tyrosine 181 with cysteine.
Molecular consequence: missense variant.
Genome position (GRCh38, 1-based): chr22:41,515,393, A>G. VCF-style: chr22-41515393-A-G. GRCh37 (hg19) VCF-style: chr22-41911397-A-G.
Other names: short protein forms Y181C.
Identifiers: ClinVar variation 1037848 (VCV001037848.8), dbSNP rs764903061, ClinGen allele CA10257393.
Genomic context (GRCh38, chr22:41,515,393, plus strand): 5'-TCGGCTGAGGGCTTCTAAATATAACATCTTGGATTATTTTTCAGATTATTCTGGAAAACT[A>G]TGCGTACCCTGGTGTTCTTCTGATTGGCACTGACTCCCACACCCCCAATGGTGGCGGCCT-3'
Protein context (NP_001089.1, residues 171-191): GIIHQIILEN[Tyr181Cys]AYPGVLLIGT